The following is an entry in ClinVar:

ClinVar aggregate classification (germline): Uncertain significance (1 of 4 stars; one submission).

Conditions:
Cardiovascular phenotype. Identifiers: MedGen CN230736.

Allele frequency attached by ClinVar (database versions not stated): gnomAD exomes below 0.00001.
gnomAD v4.1: 1 of 1,614,136 alleles (0.000062%); highest among the groups gnomAD compares: Middle Eastern, 0.016%; no homozygotes.

Submission:

Ambry Genetics
Classification: Uncertain significance for Cardiovascular phenotype. Last evaluated: 2023-01-30. Review status: criteria provided, single submitter. Criteria: Ambry Variant Classification Scheme 2023. Collection method: clinical testing. Allele origin: germline.
Comment: The p.E189K variant (also known as c.565G>A), located in coding exon 4 of the SCN3B gene, results from a G to A substitution at nucleotide position 565. The glutamic acid at codon 189 is replaced by lysine, an amino acid with similar properties. This amino acid position is conserved. In addition, this alteration is predicted to be deleterious by in silico analysis. Since supporting evidence is limited at this time, the clinical significance of this alteration remains unclear.

NM_001040151.2(SCN3B):c.565G>A (p.Glu189Lys)

Gene: SCN3B (sodium voltage-gated channel beta subunit 3; minus strand). Cytogenetic location: 11q24.1.
Variant type: single nucleotide variant.
Coding change: c.565G>A on transcript NM_001040151.2 (MANE Select); coding-DNA position 565, G replaced by A.
Protein change: p.Glu189Lys; replaces glutamic acid 189 with lysine.
Molecular consequence: missense variant.
Genome position (GRCh38, 1-based): chr11:123,638,205, C>T on the plus strand (G>A on the coding strand, the complement: SCN3B is on the minus strand). VCF-style: chr11-123638205-C-T. GRCh37 (hg19) VCF-style: chr11-123508913-C-T.
Other names: c.565G>A, p.Glu189Lys (NM_018400.4); short protein forms E189K.
Identifiers: ClinVar variation 2448565 (VCV002448565.2), dbSNP rs1555115003, ClinGen allele CA383070161.